The following is an entry in ClinVar:

NM_020297.4(ABCC9):c.853A>T (p.Ile285Leu)

Gene: ABCC9 (ATP binding cassette subfamily C member 9; minus strand). Cytogenetic location: 12p12.1.
Variant type: single nucleotide variant.
Coding change: c.853A>T on transcript NM_020297.4 (MANE Select); coding-DNA position 853, A replaced by T.
Protein change: p.Ile285Leu; replaces isoleucine 285 with leucine.
Molecular consequence: missense variant. On other transcripts: 5 prime UTR variant (1).
Genome position (GRCh38, 1-based): chr12:21,913,030, T>A on the plus strand (A>T on the coding strand, the complement: ABCC9 is on the minus strand). VCF-style: chr12-21913030-T-A. GRCh37 (hg19) VCF-style: chr12-22065964-T-A.
Other names: c.853A>T, p.Ile285Leu (NM_001377273.1, NM_005691.4); c.-12A>T (NM_001377274.1); short protein forms I285L.
Identifiers: ClinVar variation 3717237 (VCV003717237.2).

ClinVar aggregate classification (germline): Uncertain significance (1 of 4 stars; one submission).

Conditions:
Dilated cardiomyopathy 1O (CMD1O). Also called: CARDIOMYOPATHY, DILATED, WITH VENTRICULAR TACHYCARDIA. Identifiers: Orphanet 154, MedGen C1837839, MONDO:0012062, OMIM 608569.

gnomAD v4.1: 1 of 1,607,070 alleles (0.000062%); highest among the groups gnomAD compares: Admixed American, 0.0017%; no homozygotes.

Submission:

Labcorp Genetics (formerly Invitae), Labcorp
Classification: Uncertain significance for Dilated cardiomyopathy 1O. Last evaluated: 2024-10-13. Review status: criteria provided, single submitter. Criteria: Invitae Variant Classification Sherloc (09022015). Collection method: clinical testing. Allele origin: germline.
Comment: This sequence change replaces isoleucine, which is neutral and non-polar, with leucine, which is neutral and non-polar, at codon 285 of the ABCC9 protein (p.Ile285Leu). This variant is present in population databases (rs370662364, gnomAD 0.003%). This variant has not been reported in the literature in individuals affected with ABCC9-related conditions. Invitae Evidence Modeling of protein sequence and biophysical properties (such as structural, functional, and spatial information, amino acid conservation, physicochemical variation, residue mobility, and thermodynamic stability) has been performed for this missense variant. However, the output from this modeling did not meet the statistical confidence thresholds required to predict the impact of this variant on ABCC9 protein function. In summary, the available evidence is currently insufficient to determine the role of this variant in disease. Therefore, it has been classified as a Variant of Uncertain Significance.